The following is an entry in ClinVar:

ClinVar aggregate classification (germline): Conflicting classifications of pathogenicity. Review status: criteria provided, conflicting classifications (1 of 4 stars). 3 submissions from 3 submitters: Uncertain significance (2); Likely benign (1). Last evaluated 2025-06-22.

Conditions:
CFP-related disorder. Also called: CFP-related condition.

Allele frequency attached by ClinVar (database versions not stated): gnomAD 0.00001 and 0.00003; ExAC 0.00003.

Submissions (3):

Labcorp Genetics (formerly Invitae), Labcorp
Classification: Uncertain significance. Last evaluated: 2025-06-22. Review status: criteria provided, single submitter. Criteria: Invitae Variant Classification Sherloc (09022015). Collection method: clinical testing. Allele origin: germline.
Comment: This sequence change replaces proline, which is neutral and non-polar, with alanine, which is neutral and non-polar, at codon 454 of the CFP protein (p.Pro454Ala). This variant is present in population databases (rs768994510, gnomAD 0.002%). This variant has not been reported in the literature in individuals affected with CFP-related conditions. ClinVar contains an entry for this variant (Variation ID: 1497624). An algorithm developed to predict the effect of missense changes on protein structure and function (PolyPhen-2) suggests that this variant is likely to be tolerated. In summary, the available evidence is currently insufficient to determine the role of this variant in disease. Therefore, it has been classified as a Variant of Uncertain Significance.

Blueprint Genetics
Classification: Likely benign. Last evaluated: 2024-09-17. Review status: criteria provided, single submitter. Criteria: ACMG Guidelines, 2015. Collection method: clinical testing. Allele origin: germline.

PreventionGenetics, part of Exact Sciences
Classification: Uncertain significance for CFP-related condition. Last evaluated: 2023-07-10. Review status: criteria provided, single submitter. Criteria: ACMG Guidelines, 2015. Collection method: clinical testing. Allele origin: germline.
Comment: The CFP c.1360C>G variant is predicted to result in the amino acid substitution p.Pro454Ala. This variant occurs within the terminal exon, near the c-terminus. To our knowledge, this variant has not been reported in the literature. This variant is reported in 0.0037% of alleles in individuals of European (Non-Finnish) descent in gnomAD, including two hemizygous individuals. At this time, the clinical significance of this variant is uncertain due to the absence of conclusive functional and genetic evidence.

NM_001145252.3(CFP):c.1360C>G (p.Pro454Ala)

Gene: CFP (complement factor properdin; minus strand). Cytogenetic location: Xp11.23.
Variant type: single nucleotide variant.
Coding change: c.1360C>G on transcript NM_001145252.3 (MANE Select); coding-DNA position 1360, C replaced by G.
Protein change: p.Pro454Ala; replaces proline 454 with alanine.
Molecular consequence: missense variant.
Genome position (GRCh38, 1-based): chrX:47,624,325, G>C on the plus strand (C>G on the coding strand, the complement: CFP is on the minus strand). VCF-style: chrX-47624325-G-C. GRCh37 (hg19) VCF-style: chrX-47483724-G-C.
Other names: c.1360C>G, p.Pro454Ala (NM_002621.2); short protein forms P454A.
Identifiers: ClinVar variation 1497624 (VCV001497624.8), dbSNP rs768994510, ClinGen allele CA10398809.